The following is an entry in ClinVar:

NM_002292.4(LAMB2):c.938A>G (p.Lys313Arg)

Gene: LAMB2 (laminin subunit beta 2; minus strand). Cytogenetic location: 3p21.31.
Variant type: single nucleotide variant.
Coding change: c.938A>G on transcript NM_002292.4 (MANE Select); coding-DNA position 938, A replaced by G.
Protein change: p.Lys313Arg; replaces lysine 313 with arginine.
Molecular consequence: missense variant.
Genome position (GRCh38, 1-based): chr3:49,130,838, T>C on the plus strand (A>G on the coding strand, the complement: LAMB2 is on the minus strand). VCF-style: chr3-49130838-T-C. GRCh37 (hg19) VCF-style: chr3-49168271-T-C.
Other names: c.938A>G (NM_002292.3); short protein forms K313R.
Identifiers: ClinVar variation 1374660 (VCV001374660.8), dbSNP rs770959758, ClinGen allele CA2394747.

ClinVar aggregate classification (germline): Uncertain significance. Review status: criteria provided, multiple submitters, no conflicts (2 of 4 stars). 2 submissions from 2 submitters: Uncertain significance (2). Last evaluated 2025-04-30.

Conditions:
LAMB2-related infantile-onset nephrotic syndrome. Also called: Nephrotic Syndrome, type 5; NEPHROTIC SYNDROME, TYPE 5, WITHOUT OCULAR ABNORMALITIES; NEPHROTIC SYNDROME, TYPE 5, WITH OCULAR ABNORMALITIES. Identifiers: Orphanet 306507, MedGen C3280113, MONDO:0013621, OMIM 614199.
Pierson syndrome. Also called: MICROCORIA-CONGENITAL NEPHROTIC SYNDROME. Identifiers: Orphanet 2670, MedGen C1836876, MONDO:0012184, OMIM 609049.
Inborn genetic diseases. Identifiers: MedGen C0950123, MeSH D030342.

Allele frequency attached by ClinVar (database versions not stated): gnomAD 0.00001; gnomAD exomes 0.00002 and 0.00012; TOPMed 0.00003; ExAC 0.00009.
gnomAD v4.1: 33 of 1,614,068 alleles (0.002%); highest among the groups gnomAD compares: Admixed American, 0.052%; no homozygotes.

Submissions (2):

Ambry Genetics
Classification: Uncertain significance for Inborn genetic diseases. Last evaluated: 2025-04-30. Review status: criteria provided, single submitter. Criteria: Ambry Variant Classification Scheme 2023. Collection method: clinical testing. Allele origin: germline.

Labcorp Genetics (formerly Invitae), Labcorp
Classification: Uncertain significance for LAMB2-related infantile-onset nephrotic syndrome; Pierson syndrome. Last evaluated: 2025-01-13. Review status: criteria provided, single submitter. Criteria: Invitae Variant Classification Sherloc (09022015). Collection method: clinical testing. Allele origin: germline.
Comment: This sequence change replaces lysine, which is basic and polar, with arginine, which is basic and polar, at codon 313 of the LAMB2 protein (p.Lys313Arg). This variant is present in population databases (rs770959758, gnomAD 0.09%). This variant has not been reported in the literature in individuals affected with LAMB2-related conditions. ClinVar contains an entry for this variant (Variation ID: 1374660). An algorithm developed to predict the effect of missense changes on protein structure and function (PolyPhen-2) suggests that this variant is likely to be disruptive. In summary, the available evidence is currently insufficient to determine the role of this variant in disease. Therefore, it has been classified as a Variant of Uncertain Significance.